The following is an entry in ClinVar:

NM_001042492.3(NF1):c.3079_3082dup (p.Asp1028delinsGlyTer)

Gene: NF1 (neurofibromin 1; plus strand). Cytogenetic location: 17q11.2.
Variant type: Duplication.
Coding change: c.3079_3082dup on transcript NM_001042492.3 (MANE Select); coding-DNA positions 3079 to 3082, 4 bases duplicated (GATG; older notation c.3079_3082dupGATG).
Protein change: p.Asp1028delinsGlyTer.
Molecular consequence: nonsense. On other transcripts: frameshift variant (1).
Genome position (GRCh38, 1-based): chr17:31,230,348-31,230,351, GATG duplicated. VCF-style (leftmost placement, unchanged base first): chr17-31230347-A-AGATG. GRCh37 (hg19) VCF-style: chr17-29557365-A-AGATG.
Other names: c.3079_3082dupGATG (NM_001042492.2); c.3079_3082dup, p.Asp1028delinsGlyTer (NM_000267.4).
Identifiers: ClinVar variation 5001539 (VCV005001539.1).

ClinVar aggregate classification (germline): Pathogenic (1 of 4 stars; one submission).

Conditions:
NF1-related disorder. Also called: NF1-related condition. Identifiers: MedGen CN379171.

Submission:

PreventionGenetics, part of Exact Sciences
Classification: Pathogenic for NF1-related condition. Last evaluated: 2024-11-20. Review status: criteria provided, single submitter. Criteria: ACMG Guidelines, 2015. Collection method: clinical testing. Allele origin: germline.
Comment: The NF1 c.3079_3082dupGATG variant is predicted to result in a frameshift and premature protein termination (p.Asp1028Glyfs*2). To our knowledge, this variant has not been reported in the literature or in a large population database (gnomAD), indicating this variant is rare. Frameshift variants in NF1 are expected to be pathogenic. This variant is interpreted as pathogenic.